The following is an entry in ClinVar:

NM_000136.3(FANCC):c.292A>G (p.Ile98Val)

Gene: FANCC (FA complementation group C; minus strand). Cytogenetic location: 9q22.32.
Variant type: single nucleotide variant.
Coding change: c.292A>G on transcript NM_000136.3 (MANE Select); coding-DNA position 292, A replaced by G.
Protein change: p.Ile98Val; replaces isoleucine 98 with valine.
Molecular consequence: missense variant.
Genome position (GRCh38, 1-based): chr9:95,240,702, T>C on the plus strand (A>G on the coding strand, the complement: FANCC is on the minus strand). VCF-style: chr9-95240702-T-C. GRCh37 (hg19) VCF-style: chr9-98002984-T-C.
Other names: c.292A>G, p.Ile98Val (NM_001243743.2, NM_001243744.2); short protein forms I98V.
Identifiers: ClinVar variation 1716681 (VCV001716681.5), dbSNP rs2542755830, ClinGen allele CA374339369.
Genomic context (GRCh38, chr9:95,240,702, plus strand): 5'-CTCTTACCTGTATCCAGGAGTTAAGTTTTGATTGTCCAGAATTCTGTGGTTCTTTGTTAA[T>C]TAGACAACATAAGCACCATATTAGAATTTTTTGGCTTTCATCTACAAAAAGGAAAACTTA-3'
Protein context (NP_000127.2, residues 88-108): KILIWCLCCL[Ile98Val]NKEPQNSGQS

ClinVar aggregate classification (germline): Uncertain significance (1 of 4 stars; one submission).

Conditions:
Fanconi anemia (FA). Also called: Fanconi's anemia. Identifiers: Orphanet 84, MedGen C0015625, MeSH D005199, MONDO:0019391.

Submission:

Labcorp Genetics (formerly Invitae), Labcorp
Classification: Uncertain significance for Fanconi anemia. Last evaluated: 2024-04-30. Review status: criteria provided, single submitter. Criteria: Invitae Variant Classification Sherloc (09022015). Collection method: clinical testing. Allele origin: germline.
Comment: This sequence change replaces isoleucine, which is neutral and non-polar, with valine, which is neutral and non-polar, at codon 98 of the FANCC protein (p.Ile98Val). This variant is not present in population databases (gnomAD no frequency). This variant has not been reported in the literature in individuals affected with FANCC-related conditions. ClinVar contains an entry for this variant (Variation ID: 1716681). Advanced modeling of protein sequence and biophysical properties (such as structural, functional, and spatial information, amino acid conservation, physicochemical variation, residue mobility, and thermodynamic stability) performed at Invitae indicates that this missense variant is not expected to disrupt FANCC protein function with a negative predictive value of 80%. Algorithms developed to predict the effect of sequence changes on RNA splicing suggest that this variant may disrupt the consensus splice site. In summary, the available evidence is currently insufficient to determine the role of this variant in disease. Therefore, it has been classified as a Variant of Uncertain Significance.